The following is an entry in ClinVar:

NM_000092.5(COL4A4):c.-79C>T

Gene: COL4A4 (collagen type IV alpha 4 chain; minus strand). Cytogenetic location: 2q36.3.
Variant type: single nucleotide variant.
Coding change: c.-79C>T on transcript NM_000092.5 (MANE Select); 79 bases upstream of the start codon, C replaced by T.
Molecular consequence: 5 prime UTR variant.
Genome position (GRCh38, 1-based): chr2:227,147,562, G>A on the plus strand (C>T on the coding strand, the complement: COL4A4 is on the minus strand). VCF-style: chr2-227147562-G-A. GRCh37 (hg19) VCF-style: chr2-228012278-G-A.
Identifiers: ClinVar variation 334740 (VCV000334740.9), dbSNP rs55836847, ClinGen allele CA10612996.
Genomic context (GRCh38, chr2:227,147,562, plus strand): 5'-CTTAAAAAATATTCTGCCAGTCTTCTCTTCCAGAAGGTTCTTGTTGACAAGTGAGGTTCT[G>A]TGTTCTGGGTCAAAGTCTGTTCCTGTTAGATATAAATATATCACTTAAAACACAGCATGC-3'

ClinVar aggregate classification (germline): Benign/Likely benign. Review status: criteria provided, multiple submitters, no conflicts (2 of 4 stars). 3 submissions from 3 submitters: Benign (1); Likely benign (2). Last evaluated 2018-07-15.

Conditions:
Alport syndrome. Also called: Hemorrhagic familial nephritis; Hemorrhagic hereditary nephritis; Congenital hereditary hematuria. Identifiers: Orphanet 63, MedGen C1567741, MONDO:0018965.

Allele frequency attached by ClinVar (database versions not stated): 1000 Genomes Project 0.01058; gnomAD 0.01133 and 0.01218; TOPMed 0.01244; 1000 Genomes Project 30x 0.01156.
gnomAD v4.1: 3,029 of 1,246,070 alleles (0.24%); highest among the groups gnomAD compares: African/African-American, 4%; 55 homozygotes.

Submissions (3):

GeneDx
Classification: Likely benign. Last evaluated: 2018-07-15. Review status: criteria provided, single submitter. Criteria: GeneDx Variant Classification Process June 2021. Collection method: clinical testing. Allele origin: germline. Affected: yes.

Illumina Laboratory Services, Illumina
Classification: Benign for Alport syndrome. Last evaluated: 2018-01-13. Review status: criteria provided, single submitter. Criteria: ICSL Variant Classification Criteria 13 December 2019. Collection method: clinical testing. Allele origin: germline.
Comment: This variant was observed in the ICSL laboratory as part of a predisposition screen in an ostensibly healthy population. It had not been previously curated by ICSL or reported in the Human Gene Mutation Database (HGMD: prior to June 1st, 2018), and was therefore a candidate for classification through an automated scoring system. Utilizing variant allele frequency, disease prevalence and penetrance estimates, and inheritance mode, an automated score was calculated to assess if this variant is too frequent to cause the disease. Based on the score and internal cut-off values, a variant classified as benign is not then subjected to further curation. The score for this variant resulted in a classification of benign for this disease.

Breakthrough Genomics
Classification: Likely benign. Review status: criteria provided, single submitter. Criteria: ACMG Guidelines, 2015. Collection method: not provided. Allele origin: germline. Inheritance: Autosomal recessive inheritance. Affected: yes.